The following is an entry in ClinVar:

NM_001206744.2(TPO):c.478A>G (p.Asn160Asp)

Gene: TPO (thyroid peroxidase; plus strand). Cytogenetic location: 2p25.3.
Variant type: single nucleotide variant.
Coding change: c.478A>G on transcript NM_001206744.2 (MANE Select); coding-DNA position 478, A replaced by G.
Protein change: p.Asn160Asp; replaces asparagine 160 with aspartic acid.
Molecular consequence: missense variant.
Genome position (GRCh38, 1-based): chr2:1,436,380, A>G. VCF-style: chr2-1436380-A-G. GRCh37 (hg19) VCF-style: chr2-1440152-A-G.
Other names: c.478A>G, p.Asn160Asp (NM_000547.6, NM_001206745.2, NM_175719.4 and 2 more transcripts); short protein forms N160D.
Identifiers: ClinVar variation 429302 (VCV000429302.3), dbSNP rs1017779313, ClinGen allele CA41379722.

ClinVar aggregate classification (germline): Uncertain significance (1 of 4 stars; one submission).

Allele frequency attached by ClinVar (database versions not stated): gnomAD exomes below 0.00001.
gnomAD v4.1: 7 of 1,614,216 alleles (0.00043%); highest among the groups gnomAD compares: Non-Finnish European, 0.00059%; no homozygotes.

Submission:

GeneDx
Classification: Uncertain significance. Last evaluated: 2019-10-11. Review status: criteria provided, single submitter. Criteria: GeneDx Variant Classification Process June 2021. Collection method: clinical testing. Allele origin: germline. Affected: yes.
Comment: Not observed in large population cohorts (Lek et al., 2016); In silico analysis, which includes protein predictors and evolutionary conservation, supports a deleterious effect; Has not been previously published as pathogenic or benign to our knowledge